The following is an entry in ClinVar:

NM_003630.3(PEX3):c.96T>C (p.Tyr32=)

Gene: PEX3 (peroxisomal biogenesis factor 3; plus strand). Cytogenetic location: 6q24.2.
Variant type: single nucleotide variant.
Coding change: c.96T>C on transcript NM_003630.3 (MANE Select); coding-DNA position 96, T replaced by C.
Protein change: p.Tyr32=; no amino-acid change (tyrosine 32 retained).
Molecular consequence: synonymous variant.
Genome position (GRCh38, 1-based): chr6:143,459,107, T>C. VCF-style: chr6-143459107-T-C. GRCh37 (hg19) VCF-style: chr6-143780244-T-C.
Identifiers: ClinVar variation 355574 (VCV000355574.10), dbSNP rs201718910, ClinGen allele CA4029455.
Genomic context (GRCh38, chr6:143,459,107, plus strand): 5'-GTACTCTAATGAATATAGTACTTTTTTAATGATTGTAGGAGTATATATTCTGGGGAAATA[T>C]GGACAGAAGAAAATCAGAGAAATACAGGAAAGGGAGGCTGCAGAATACATTGCCCAAGCA-3'
Protein context (NP_003621.1, residues 22-42): VLGGVYILGK[Tyr32=]GQKKIREIQE

ClinVar aggregate classification (germline): Conflicting classifications of pathogenicity. Review status: criteria provided, conflicting classifications (1 of 4 stars). 3 submissions from 3 submitters: Uncertain significance (1); Likely benign (2). Last evaluated 2025-11-06.

Conditions:
Peroxisome biogenesis disorder 10A (Zellweger). Also called: Peroxisome biogenesis disorder 10A. Identifiers: Orphanet 912, MedGen C3553999, MONDO:0013948, OMIM 614882.
PEX3-related disorder. Also called: PEX3-related condition.

Allele frequency attached by ClinVar (database versions not stated): gnomAD exomes 0.00001; gnomAD 0.00002; TOPMed 0.00003; ESP Exome Variant Server 0.00008.
gnomAD v4.1: 20 of 1,596,916 alleles (0.0013%); highest among the groups gnomAD compares: African/African-American, 0.0013%; no homozygotes.

Submissions (3):

Labcorp Genetics (formerly Invitae), Labcorp
Classification: Likely benign. Last evaluated: 2025-11-06. Review status: criteria provided, single submitter. Criteria: Invitae Variant Classification Sherloc (09022015). Collection method: clinical testing. Allele origin: germline.

PreventionGenetics, part of Exact Sciences
Classification: Likely benign for PEX3-related condition. Last evaluated: 2025-01-15. Review status: criteria provided, single submitter. Criteria: ACMG Guidelines, 2015. Collection method: clinical testing. Allele origin: germline.
Comment: This variant is classified as likely benign based on ACMG/AMP sequence variant interpretation guidelines (Richards et al. 2015 PMID: 25741868, with internal and published modifications).

Illumina Laboratory Services, Illumina
Classification: Uncertain significance for Peroxisome biogenesis disorder 10A (Zellweger). Last evaluated: 2018-01-12. Review status: criteria provided, single submitter. Criteria: ICSL Variant Classification Criteria 13 December 2019. Collection method: clinical testing. Allele origin: germline.